The following is an entry in ClinVar:

ClinVar aggregate classification (germline): Uncertain significance (1 of 4 stars; one submission).

gnomAD v4.1: 5 of 1,614,152 alleles (0.00031%); highest among the groups gnomAD compares: Non-Finnish European, 0.00034%; no homozygotes.

Submission:

Labcorp Genetics (formerly Invitae), Labcorp
Classification: Uncertain significance. Last evaluated: 2025-10-02. Review status: criteria provided, single submitter. Criteria: Invitae Variant Classification Sherloc (09022015). Collection method: clinical testing. Allele origin: germline.
Comment: This sequence change replaces lysine, which is basic and polar, with arginine, which is basic and polar, at codon 385 of the RERE protein (p.Lys385Arg). This variant is present in population databases (rs745398302, gnomAD 0.01%). This variant has not been reported in the literature in individuals affected with RERE-related conditions. ClinVar contains an entry for this variant (Variation ID: 3699261). Invitae Evidence Modeling of protein sequence and biophysical properties (such as structural, functional, and spatial information, amino acid conservation, physicochemical variation, residue mobility, and thermodynamic stability) has been performed for this missense variant. However, the output from this modeling did not meet the statistical confidence thresholds required to predict the impact of this variant on RERE protein function. In summary, the available evidence is currently insufficient to determine the role of this variant in disease. Therefore, it has been classified as a Variant of Uncertain Significance.

NM_001042681.2(RERE):c.1154A>G (p.Lys385Arg)

Gene: RERE (arginine-glutamic acid dipeptide repeats; minus strand). Cytogenetic location: 1p36.23.
Variant type: single nucleotide variant.
Coding change: c.1154A>G on transcript NM_001042681.2 (MANE Select); coding-DNA position 1154, A replaced by G.
Protein change: p.Lys385Arg; replaces lysine 385 with arginine.
Molecular consequence: missense variant.
Genome position (GRCh38, 1-based): chr1:8,465,974, T>C on the plus strand (A>G on the coding strand, the complement: RERE is on the minus strand). VCF-style: chr1-8465974-T-C. GRCh37 (hg19) VCF-style: chr1-8526034-T-C.
Other names: c.1154A>G, p.Lys385Arg (NM_012102.4); short protein forms K385R.
Identifiers: ClinVar variation 3699261 (VCV003699261.2).